The following is an entry in ClinVar:

ClinVar aggregate classification (germline): Uncertain significance. Review status: criteria provided, multiple submitters, no conflicts (2 of 4 stars). 3 submissions from 3 submitters: Uncertain significance (3). Last evaluated 2025-02-05.

Conditions:
Hereditary cancer-predisposing syndrome. Also called: Tumor predisposition; Hereditary Cancer Syndrome; Neoplastic Syndromes, Hereditary; Hereditary neoplastic syndrome. Identifiers: Orphanet 140162, MedGen C0027672, MeSH D009386, MONDO:0015356.
Birt-Hogg-Dube syndrome 1 (BHD1). Also called: FIBROFOLLICULOMAS WITH TRICHODISCOMAS AND ACROCHORDONS. Identifiers: Orphanet 122, MedGen CN375946, MONDO:0800445, OMIM 135150.
Birt-Hogg-Dube syndrome. Also called: Birt Hogg Dubé syndrome. Identifiers: Orphanet 122, MedGen C0346010, MONDO:0800444.

Submissions (3):

St. Jude Molecular Pathology, St. Jude Children's Research Hospital
Classification: Uncertain significance for Birt-Hogg-Dube syndrome 1. Last evaluated: 2025-02-05. Review status: criteria provided, single submitter. Criteria: St. Jude Assertion Criteria 2020. Collection method: clinical testing. Allele origin: germline.
Comment: The FLCN c.451G>T (p.Val151Leu) missense change is absent in gnomAD v2.1.1. The in silico tool REVEL predicts a deleterious effect on protein function, but this prediction has not been confirmed by functional studies. This variant has not been reported in individuals with Birt-Hogg-Dubé syndrome. In summary, the evidence currently available is insufficient to determine the clinical significance of this variant. It has therefore been classified as of uncertain significance.

Ambry Genetics
Classification: Uncertain significance for Hereditary cancer-predisposing syndrome. Last evaluated: 2024-02-20. Review status: criteria provided, single submitter. Criteria: Ambry Variant Classification Scheme 2023. Collection method: clinical testing. Allele origin: germline.
Comment: The p.V151L variant (also known as c.451G>T), located in coding exon 3 of the FLCN gene, results from a G to T substitution at nucleotide position 451. The valine at codon 151 is replaced by leucine, an amino acid with highly similar properties. This amino acid position is highly conserved in available vertebrate species. In addition, this alteration is predicted to be deleterious by in silico analysis. Since supporting evidence is limited at this time, the clinical significance of this alteration remains unclear.

Labcorp Genetics (formerly Invitae), Labcorp
Classification: Uncertain significance for Birt-Hogg-Dube syndrome. Last evaluated: 2024-02-15. Review status: criteria provided, single submitter. Criteria: Invitae Variant Classification Sherloc (09022015). Collection method: clinical testing. Allele origin: germline.
Comment: This sequence change replaces valine, which is neutral and non-polar, with leucine, which is neutral and non-polar, at codon 151 of the FLCN protein (p.Val151Leu). This variant is not present in population databases (gnomAD no frequency). This variant has not been reported in the literature in individuals affected with FLCN-related conditions. ClinVar contains an entry for this variant (Variation ID: 862664). Advanced modeling of protein sequence and biophysical properties (such as structural, functional, and spatial information, amino acid conservation, physicochemical variation, residue mobility, and thermodynamic stability) performed at Invitae indicates that this missense variant is expected to disrupt FLCN protein function with a positive predictive value of 80%. In summary, the available evidence is currently insufficient to determine the role of this variant in disease. Therefore, it has been classified as a Variant of Uncertain Significance.

NM_144997.7(FLCN):c.451G>T (p.Val151Leu)

Gene: FLCN (folliculin; minus strand). Cytogenetic location: 17p11.2.
Variant type: single nucleotide variant.
Coding change: c.451G>T on transcript NM_144997.7 (MANE Select); coding-DNA position 451, G replaced by T.
Protein change: p.Val151Leu; replaces valine 151 with leucine.
Molecular consequence: missense variant.
Genome position (GRCh38, 1-based): chr17:17,224,089, C>A on the plus strand (G>T on the coding strand, the complement: FLCN is on the minus strand). VCF-style: chr17-17224089-C-A. GRCh37 (hg19) VCF-style: chr17-17127403-C-A.
Other names: c.505G>T, p.Val169Leu (NM_001353229.2); c.451G>T, p.Val151Leu (NM_001353230.2, NM_001353231.2, NM_144606.7); short protein forms V151L, V169L.
Identifiers: ClinVar variation 862664 (VCV000862664.10), dbSNP rs147164515, ClinGen allele CA398534533.